The following is an entry in ClinVar:

NM_000878.5(IL2RB):c.28C>G (p.Leu10Val)

Gene: IL2RB (interleukin 2 receptor subunit beta; minus strand). Cytogenetic location: 22q12.3.
Variant type: single nucleotide variant.
Coding change: c.28C>G on transcript NM_000878.5 (MANE Select); coding-DNA position 28, C replaced by G.
Protein change: p.Leu10Val; replaces leucine 10 with valine.
Molecular consequence: missense variant.
Genome position (GRCh38, 1-based): chr22:37,144,145, G>C on the plus strand (C>G on the coding strand, the complement: IL2RB is on the minus strand). VCF-style: chr22-37144145-G-C. GRCh37 (hg19) VCF-style: chr22-37540185-G-C.
Other names: p.Leu10Val; c.28C>G, p.Leu10Val (NM_001346222.1, NM_001346223.2); short protein forms L10V.
Identifiers: ClinVar variation 1166884 (VCV001166884.11), dbSNP rs57770674, ClinGen allele CA10216781.

ClinVar aggregate classification (germline): Conflicting classifications of pathogenicity. Review status: criteria provided, conflicting classifications (1 of 4 stars). 3 submissions from 3 submitters: Uncertain significance (1); Benign (1); Likely benign (1). Last evaluated 2026-02-01.

Allele frequency attached by ClinVar (database versions not stated): gnomAD exomes 0.00034 and 0.00091; ExAC 0.00212; ESP Exome Variant Server 0.00330; gnomAD 0.00350 and 0.00379; TOPMed 0.00413; 1000 Genomes Project 30x 0.00453; 1000 Genomes Project 0.00459.
gnomAD v4.1: 1,024 of 1,552,036 alleles (0.066%); highest among the groups gnomAD compares: African/African-American, 1.2%; 4 homozygotes.

Submissions (3):

Labcorp Genetics (formerly Invitae), Labcorp
Classification: Benign. Last evaluated: 2026-02-01. Review status: criteria provided, single submitter. Criteria: Invitae Variant Classification Sherloc (09022015). Collection method: clinical testing. Allele origin: germline.

Mayo Clinic Laboratories, Mayo Clinic
Classification: Likely benign. Last evaluated: 2025-09-26. Review status: criteria provided, single submitter. Criteria: ACMG Guidelines, 2015. Collection method: clinical testing. Allele origin: germline. Observed: 2 variant alleles.
Comment: BS1, BP4

Blueprint Genetics
Classification: Uncertain significance. Last evaluated: 2024-11-28. Review status: criteria provided, single submitter. Criteria: ACMG Guidelines, 2015. Collection method: clinical testing. Allele origin: germline.